The following is an entry in ClinVar:

NM_017882.3(CLN6):c.340T>C (p.Tyr114His)

Gene: CLN6 (CLN6 transmembrane ER protein; minus strand). Cytogenetic location: 15q23.
Variant type: single nucleotide variant.
Coding change: c.340T>C on transcript NM_017882.3 (MANE Select); coding-DNA position 340, T replaced by C.
Protein change: p.Tyr114His; replaces tyrosine 114 with histidine.
Molecular consequence: missense variant.
Genome position (GRCh38, 1-based): chr15:68,211,821, A>G on the plus strand (T>C on the coding strand, the complement: CLN6 is on the minus strand). VCF-style: chr15-68211821-A-G. GRCh37 (hg19) VCF-style: chr15-68504159-A-G.
Other names: short protein forms Y114H.
Identifiers: ClinVar variation 839438 (VCV000839438.7), dbSNP rs1211135399, ClinGen allele CA392973617.

ClinVar aggregate classification (germline): Uncertain significance. Review status: criteria provided, multiple submitters, no conflicts (2 of 4 stars). 3 submissions from 3 submitters: Uncertain significance (3). Last evaluated 2023-06-15.

Conditions:
Neuronal ceroid lipofuscinosis. Also called: Neuronal Ceroid Lipofuscinoses. Identifiers: Orphanet 216, Orphanet 79263, MedGen C0027877, MONDO:0016295. Disease mechanism: loss of function.
Inborn genetic diseases. Identifiers: MedGen C0950123, MeSH D030342.

Allele frequency attached by ClinVar (database versions not stated): gnomAD 0.00001; TOPMed 0.00001.
gnomAD v4.1: 2 of 1,613,818 alleles (0.00012%); highest among the groups gnomAD compares: Admixed American, 0.0033%; no homozygotes.

Submissions (3):

GeneDx
Classification: Uncertain significance. Last evaluated: 2023-06-15. Review status: criteria provided, single submitter. Criteria: GeneDx Variant Classification Process June 2021. Collection method: clinical testing. Allele origin: germline. Affected: yes.
Comment: Not observed at significant frequency in large population cohorts (gnomAD); In silico analysis supports that this missense variant has a deleterious effect on protein structure/function; Has not been previously published as pathogenic or benign to our knowledge

Labcorp Genetics (formerly Invitae), Labcorp
Classification: Uncertain significance for Neuronal ceroid lipofuscinosis. Last evaluated: 2022-09-06. Review status: criteria provided, single submitter. Criteria: Invitae Variant Classification Sherloc (09022015). Collection method: clinical testing. Allele origin: germline.
Comment: This sequence change replaces tyrosine, which is neutral and polar, with histidine, which is basic and polar, at codon 114 of the CLN6 protein (p.Tyr114His). This variant is not present in population databases (gnomAD no frequency). This variant has not been reported in the literature in individuals affected with CLN6-related conditions. ClinVar contains an entry for this variant (Variation ID: 839438). Algorithms developed to predict the effect of missense changes on protein structure and function are either unavailable or do not agree on the potential impact of this missense change (SIFT: "Tolerated"; PolyPhen-2: "Probably Damaging"; Align-GVGD: "Class C0"). In summary, the available evidence is currently insufficient to determine the role of this variant in disease. Therefore, it has been classified as a Variant of Uncertain Significance.

Ambry Genetics
Classification: Uncertain significance for Inborn genetic diseases. Last evaluated: 2022-05-18. Review status: criteria provided, single submitter. Criteria: Ambry Variant Classification Scheme 2023. Collection method: clinical testing. Allele origin: germline.